The following is an entry in ClinVar:

NM_006922.4(SCN3A):c.5726G>A (p.Arg1909His)

Gene: SCN3A (sodium voltage-gated channel alpha subunit 3; minus strand). Cytogenetic location: 2q24.3.
Variant type: single nucleotide variant.
Coding change: c.5726G>A on transcript NM_006922.4 (MANE Select); coding-DNA position 5726, G replaced by A.
Protein change: p.Arg1909His; replaces arginine 1909 with histidine.
Molecular consequence: missense variant.
Genome position (GRCh38, 1-based): chr2:165,090,427, C>T on the plus strand (G>A on the coding strand, the complement: SCN3A is on the minus strand). VCF-style: chr2-165090427-C-T. GRCh37 (hg19) VCF-style: chr2-165946937-C-T.
Other names: c.5726G>A (NM_006922.3); c.5579G>A, p.Arg1860His (NM_001081676.2, NM_001081677.2); short protein forms R1860H, R1909H.
Identifiers: ClinVar variation 1059130 (VCV001059130.11), dbSNP rs376113629, ClinGen allele CA1938364.
Genomic context (GRCh38, chr2:165,090,427, plus strand): 5'-TTGTTATAGTTACTTGATATATTTTTTAACCTTTGCTTTAAAAGATAACATCTGAAATTA[C>T]GCTGAATGATAGCGGCAGACACCTCCTCTTGTTTACGTTTCAAAGTGGTTGTAATAGGCT-3'
Protein context (NP_008853.3, residues 1899-1919): QEEVSAAIIQ[Arg1909His]NFRCYLLKQR

ClinVar aggregate classification (germline): Conflicting classifications of pathogenicity. Review status: criteria provided, conflicting classifications (1 of 4 stars). 3 submissions from 3 submitters: Uncertain significance (2); Likely benign (1). Last evaluated 2026-07-01.

Conditions:
Inborn genetic diseases. Identifiers: MedGen C0950123, MeSH D030342.

Allele frequency attached by ClinVar (database versions not stated): ExAC 0.00002; gnomAD exomes 0.00002; TOPMed 0.00003; gnomAD 0.00005 and 0.00007; ESP Exome Variant Server 0.00008.
gnomAD v4.1: 34 of 1,613,408 alleles (0.0021%); highest among the groups gnomAD compares: African/African-American, 0.008%; no homozygotes.

Submissions (3):

CeGaT Center for Human Genetics Tuebingen
Classification: Uncertain significance. Last evaluated: 2026-07-01. Review status: criteria provided, single submitter. Criteria: CeGaT Center For Human Genetics Tuebingen Variant Classification Criteria Version 2. Collection method: clinical testing. Allele origin: germline. Affected: yes. Observed: 1 variant allele.

Labcorp Genetics (formerly Invitae), Labcorp
Classification: Uncertain significance. Last evaluated: 2026-02-01. Review status: criteria provided, single submitter. Criteria: Invitae Variant Classification Sherloc (09022015). Collection method: clinical testing. Allele origin: germline.
Comment: This sequence change replaces arginine, which is basic and polar, with histidine, which is basic and polar, at codon 1909 of the SCN3A protein (p.Arg1909His). This variant is present in population databases (rs376113629, gnomAD 0.02%). This variant has not been reported in the literature in individuals affected with SCN3A-related conditions. ClinVar contains an entry for this variant (Variation ID: 1059130). Invitae Evidence Modeling of protein sequence and biophysical properties (such as structural, functional, and spatial information, amino acid conservation, physicochemical variation, residue mobility, and thermodynamic stability) has been performed for this missense variant. However, the output from this modeling did not meet the statistical confidence thresholds required to predict the impact of this variant on SCN3A protein function. In summary, the available evidence is currently insufficient to determine the role of this variant in disease. Therefore, it has been classified as a Variant of Uncertain Significance.

Ambry Genetics
Classification: Likely benign for Inborn genetic diseases. Last evaluated: 2023-03-07. Review status: criteria provided, single submitter. Criteria: Ambry Variant Classification Scheme 2023. Collection method: clinical testing. Allele origin: germline.